The following is an entry in ClinVar:

ClinVar aggregate classification (germline): Uncertain significance (1 of 4 stars; one submission).

Allele frequency attached by ClinVar (database versions not stated): gnomAD exomes 0.00001; ExAC 0.00002.
gnomAD v4.1: 7 of 1,613,982 alleles (0.00043%); highest among the groups gnomAD compares: Admixed American, 0.0033%; no homozygotes.

Submission:

Labcorp Genetics (formerly Invitae), Labcorp
Classification: Uncertain significance. Last evaluated: 2021-09-15. Review status: criteria provided, single submitter. Criteria: Invitae Variant Classification Sherloc (09022015). Collection method: clinical testing. Allele origin: germline.
Comment: This variant has not been reported in the literature in individuals affected with SETD5-related conditions. Algorithms developed to predict the effect of missense changes on protein structure and function are either unavailable or do not agree on the potential impact of this missense change (SIFT: "Deleterious"; PolyPhen-2: "Benign"; Align-GVGD: "Class C0"). In summary, the available evidence is currently insufficient to determine the role of this variant in disease. Therefore, it has been classified as a Variant of Uncertain Significance. This variant is present in population databases (rs777269897, ExAC 0.009%). This sequence change replaces threonine with methionine at codon 1297 of the SETD5 protein (p.Thr1297Met). The threonine residue is moderately conserved and there is a moderate physicochemical difference between threonine and methionine.

NM_001080517.3(SETD5):c.3890C>T (p.Thr1297Met)

Gene: SETD5 (SET domain containing 5; plus strand). Cytogenetic location: 3p25.3.
Variant type: single nucleotide variant.
Coding change: c.3890C>T on transcript NM_001080517.3 (MANE Select); coding-DNA position 3890, C replaced by T.
Protein change: p.Thr1297Met; replaces threonine 1297 with methionine.
Molecular consequence: missense variant.
Genome position (GRCh38, 1-based): chr3:9,475,652, C>T. VCF-style: chr3-9475652-C-T. GRCh37 (hg19) VCF-style: chr3-9517336-C-T.
Other names: c.3596C>T, p.Thr1199Met (NM_001292043.2, NM_001349451.2); short protein forms T1199M, T1297M.
Identifiers: ClinVar variation 1520099 (VCV001520099.6), dbSNP rs777269897, ClinGen allele CA2239822.